The following is an entry in ClinVar:

NM_001267550.2(TTN):c.295+15A>C

Gene: TTN (titin; minus strand). Cytogenetic location: 2q31.2.
Variant type: single nucleotide variant.
Coding change: c.295+15A>C on transcript NM_001267550.2 (MANE Select); 15 bases into the intron after coding-DNA position 295, A replaced by C.
Molecular consequence: intron variant.
Genome position (GRCh38, 1-based): chr2:178,802,123, T>G on the plus strand (A>C on the coding strand, the complement: TTN is on the minus strand). VCF-style: chr2-178802123-T-G. GRCh37 (hg19) VCF-style: chr2-179666850-T-G.
Other names: c.295+15A>C (NM_003319.4, NM_133437.4, NM_133432.3 and 3 more transcripts).
Identifiers: ClinVar variation 202346 (VCV000202346.1), dbSNP rs202157373, ClinGen allele CA309164.

ClinVar aggregate classification (germline): Likely benign (1 of 4 stars; one submission).

Allele frequency attached by ClinVar (database versions not stated): ExAC 0.02857.

Submission:

GeneDx
Classification: Likely benign. Last evaluated: 2012-10-19. Review status: criteria provided, single submitter. Criteria: GeneDx Variant Classification (06012015). Collection method: clinical testing. Allele origin: germline. Affected: yes.
Comment: This variant is considered likely benign or benign based on one or more of the following criteria: it is a conservative change, it occurs at a poorly conserved position in the protein, it is predicted to be benign by multiple in silico algorithms, and/or has population frequency not consistent with disease.